The following is an entry in ClinVar:

NM_000038.6(APC):c.1652T>A (p.Leu551Ter)

Gene: APC (APC regulator of Wnt signaling pathway; plus strand). Cytogenetic location: 5q22.2.
Variant type: single nucleotide variant.
Coding change: c.1652T>A on transcript NM_000038.6 (MANE Select); coding-DNA position 1652, T replaced by A.
Protein change: p.Leu551Ter; replaces leucine 551 with a stop codon.
Molecular consequence: nonsense.
Genome position (GRCh38, 1-based): chr5:112,828,881, T>A. VCF-style: chr5-112828881-T-A. GRCh37 (hg19) VCF-style: chr5-112164578-T-A.
Other names: c.1652T>A, p.Leu551Ter (NM_001127510.3, NM_001354895.2); c.1598T>A, p.Leu533Ter (NM_001127511.3); c.1706T>A, p.Leu569Ter (NM_001354896.2); c.1682T>A, p.Leu561Ter (NM_001354897.2); c.1577T>A, p.Leu526Ter (NM_001354898.2); c.1568T>A, p.Leu523Ter (NM_001354899.2); c.1529T>A, p.Leu510Ter (NM_001354900.2); c.1475T>A, p.Leu492Ter (NM_001354901.2); and 5 more; short protein forms L391*, L492*, L561*, L450*, L533*, L551*, L460*, L510*.
Identifiers: ClinVar variation 1459980 (VCV001459980.6), dbSNP rs2149817124, ClinGen allele CA16024918.
Genomic context (GRCh38, chr5:112,828,881, plus strand): 5'-ATGTATAAATTAATCTAAAATTGATTAATTTGCAGGTTATTGCGAGTGTTTTGAGGAATT[T>A]GTCTTGGCGAGCAGATGTAAATAGTAAAAAGACGTTGCGAGAAGTTGGAAGTGTGAAAGC-3'

ClinVar aggregate classification (germline): Pathogenic (1 of 4 stars; one submission).

Conditions:
Familial adenomatous polyposis 1 (FAP1). Also called: POLYPOSIS, ADENOMATOUS INTESTINAL; FAMILIAL ADENOMATOUS POLYPOSIS 1, ATTENUATED. Identifiers: MedGen C2713442, MONDO:0021056, OMIM 175100. Disease mechanism: loss of function.

Submission:

Labcorp Genetics (formerly Invitae), Labcorp
Classification: Pathogenic for Familial adenomatous polyposis 1. Last evaluated: 2021-05-26. Review status: criteria provided, single submitter. Criteria: Invitae Variant Classification Sherloc (09022015). Collection method: clinical testing. Allele origin: germline.
Comment: For these reasons, this variant has been classified as Pathogenic. This variant has not been reported in the literature in individuals with APC-related conditions. This variant is not present in population databases (ExAC no frequency). This sequence change creates a premature translational stop signal (p.Leu551*) in the APC gene. It is expected to result in an absent or disrupted protein product. Loss-of-function variants in APC are known to be pathogenic (PMID: 17963004, 20685668).

Literature cited by the submitters: PubMed 17963004; PubMed 20685668.